The following is an entry in ClinVar:

NM_007294.4(BRCA1):c.3549_3550delinsT (p.Lys1183fs)

Genes: BRCA1 (BRCA1 DNA repair associated; minus strand), LOC126862571 (BRD4-independent group 4 enhancer GRCh37_chr17:41243136-41244335; plus strand). Cytogenetic location: 17q21.31.
Variant type: Indel.
Coding change: c.3549_3550delinsT on transcript NM_007294.4 (MANE Select); coding-DNA positions 3549 to 3550, AG replaced by T.
Protein change: p.Lys1183fs; shifts the reading frame from lysine 1183.
Molecular consequence: frameshift variant. On other transcripts: intron variant (135).
Genome position (GRCh38, 1-based): chr17:43,091,981-43,091,982, CT replaced by A on the plus strand (AG replaced by T on the coding strand, the reverse complement: BRCA1 is on the minus strand). VCF-style: chr17-43091981-CT-A. GRCh37 (hg19) VCF-style: chr17-41243998-CT-A.
Other names: 3668delAGinsT; c.3336_3337delinsT, p.Lys1112fs (NM_001407571.1, NM_001407853.1, NM_001407894.1 and 9 more transcripts); c.3549_3550delinsT, p.Lys1183fs (NM_001407581.1, NM_001407582.1, NM_001407583.1 and 30 more transcripts); c.3546_3547delinsT, p.Lys1182fs (NM_001407587.1, NM_001407590.1, NM_001407610.1 and 22 more transcripts); c.3540_3541delinsT, p.Lys1180fs (NM_001407646.1, NM_001407647.1); c.3426_3427delinsT, p.Lys1142fs (NM_001407648.1, NM_001407664.1, NM_001407665.1 and 19 more transcripts); c.3423_3424delinsT, p.Lys1141fs (NM_001407649.1, NM_001407670.1, NM_001407671.1 and 11 more transcripts); c.3471_3472delinsT, p.Lys1157fs (NM_001407653.1, NM_001407654.1, NM_001407655.1 and 4 more transcripts); and 42 more; short protein forms K1136fs, K1183fs, K1056fs, K1095fs, K1113fs, K1156fs, K1157fs, K1180fs.
Identifiers: ClinVar variation 54915 (VCV000054915.10), dbSNP rs273899709, ClinGen allele CA002271.
Genomic context (GRCh38, chr17:43,091,981, plus strand): 5'-TTCGGTAACCCTGAGCCAAATGTGTATGGGTGAAAGGGCTAGGACTCCTGCTAAGCTCTC[CT>A]TTCTGGACGCTTTTGCTAAAAACAGCAGAACTTTCCTTAATGTCATTTTCAGCAAAACTA-3'

ClinVar aggregate classification (germline): Pathogenic. Review status: reviewed by expert panel (3 of 4 stars). 4 submissions from 4 submitters: Pathogenic (1). 3 of the submissions do not count toward it. Last evaluated 2016-09-08.

Conditions:
Breast-ovarian cancer, familial, susceptibility to, 1 (BROVCA1). Also called: BRCA1 Hereditary Breast and Ovarian Cancer; OVARIAN CANCER, SUSCEPTIBILITY TO. Identifiers: Orphanet 145, MedGen C2676676, MONDO:0011450, OMIM 604370. Disease mechanism: loss of function.
Hereditary breast ovarian cancer syndrome. Also called: BRCA1- and BRCA2-Associated Hereditary Breast and Ovarian Cancer; Hereditary breast and ovarian cancer syndrome; Hereditary breast and ovarian cancer syndrome (HBOC); Breast and ovarian cancer; Hereditary breast and/or ovarian cancer syndrome; Hereditary breast and ovarian cancer. Identifiers: Orphanet 145, MedGen C0677776, MeSH D061325, MONDO:0003582. Disease mechanism: loss of function.

Submissions (4):

Evidence-based Network for the Interpretation of Germline Mutant Alleles (ENIGMA)
Classification: Pathogenic for Breast-ovarian cancer, familial, susceptibility to, 1. Last evaluated: 2016-09-08. Review status: reviewed by expert panel. Criteria: ENIGMA BRCA1/2 Classification Criteria (2015). Collection method: curation. Allele origin: germline.
Comment: Variant allele predicted to encode a truncated non-functional protein.

Labcorp Genetics (formerly Invitae), Labcorp
Classification: Pathogenic for Hereditary breast ovarian cancer syndrome. Last evaluated: 2022-07-29. Review status: criteria provided, single submitter. Criteria: Invitae Variant Classification Sherloc (09022015). Collection method: clinical testing. Allele origin: germline. Not counted in ClinVar's aggregate classification.
Comment: For these reasons, this variant has been classified as Pathogenic. This variant has not been reported in the literature in individuals affected with BRCA1-related conditions. This variant is not present in population databases (gnomAD no frequency). This sequence change creates a premature translational stop signal (p.Lys1183Asnfs*27) in the BRCA1 gene. It is expected to result in an absent or disrupted protein product. Loss-of-function variants in BRCA1 are known to be pathogenic (PMID: 20104584).

Consortium of Investigators of Modifiers of BRCA1/2 (CIMBA), c/o University of Cambridge
Classification: Pathogenic for Breast-ovarian cancer, familial, susceptibility to, 1. Last evaluated: 2015-10-02. Review status: criteria provided, single submitter. Criteria: CIMBA Mutation Classification guidelines May 2016. Collection method: clinical testing. Allele origin: germline. Not counted in ClinVar's aggregate classification.

Breast Cancer Information Core (BIC) (BRCA1)
Classification: Pathogenic for Breast-ovarian cancer, familial 1. Last evaluated: 2002-05-29. Review status: no assertion criteria provided. Collection method: clinical testing. Allele origin: germline. Affected: yes. Observed: 5 variant alleles. Not counted in ClinVar's aggregate classification.

Literature cited by the submitters: PubMed 20104584 (cited by Labcorp Genetics (formerly Invitae), Labcorp).